The following is an entry in ClinVar:

NM_001330588.2(TPP2):c.1543A>G (p.Thr515Ala)

Gene: TPP2 (tripeptidyl peptidase 2; plus strand). Cytogenetic location: 13q33.1.
Variant type: single nucleotide variant.
Coding change: c.1543A>G on transcript NM_001330588.2 (MANE Select); coding-DNA position 1543, A replaced by G.
Protein change: p.Thr515Ala; replaces threonine 515 with alanine.
Molecular consequence: missense variant. On other transcripts: non-coding transcript variant (1).
Genome position (GRCh38, 1-based): chr13:102,636,257, A>G. VCF-style: chr13-102636257-A-G. GRCh37 (hg19) VCF-style: chr13-103288607-A-G.
Other names: c.1543A>G, p.Thr515Ala (NM_001367947.1, NM_003291.4); c.1543A>G (NM_003291.2); short protein forms T515A.
Identifiers: ClinVar variation 1378117 (VCV001378117.4), dbSNP rs142762658, ClinGen allele CA7037770.

ClinVar aggregate classification (germline): Uncertain significance. Review status: criteria provided, multiple submitters, no conflicts (2 of 4 stars). 2 submissions from 2 submitters: Uncertain significance (2). Last evaluated 2025-08-13.

Conditions:
Evans syndrome, immunodeficiency, and premature immunosenescence associated with tripeptidyl-peptidase II deficiency. Identifiers: MedGen CN231723. Disease mechanism: loss of function.
Inborn genetic diseases. Identifiers: MedGen C0950123, MeSH D030342.

Allele frequency attached by ClinVar (database versions not stated): gnomAD exomes 0.00001 and 0.00003; ExAC 0.00003; TOPMed 0.00003; gnomAD 0.00005 and 0.00006; ESP Exome Variant Server 0.00008.
gnomAD v4.1: 15 of 1,613,446 alleles (0.00093%); highest among the groups gnomAD compares: African/African-American, 0.019%; no homozygotes.

Submissions (2):

Ambry Genetics
Classification: Uncertain significance for Inborn genetic diseases. Last evaluated: 2025-08-13. Review status: criteria provided, single submitter. Criteria: Ambry Variant Classification Scheme 2023. Collection method: clinical testing. Allele origin: germline.

Labcorp Genetics (formerly Invitae), Labcorp
Classification: Uncertain significance for Evans syndrome, immunodeficiency, and premature immunosenescence associated with tripeptidyl-peptidase II deficiency. Last evaluated: 2022-08-23. Review status: criteria provided, single submitter. Criteria: Invitae Variant Classification Sherloc (09022015). Collection method: clinical testing. Allele origin: germline.
Comment: This sequence change replaces threonine, which is neutral and polar, with alanine, which is neutral and non-polar, at codon 515 of the TPP2 protein (p.Thr515Ala). This variant is present in population databases (rs142762658, gnomAD 0.03%). This variant has not been reported in the literature in individuals affected with TPP2-related conditions. ClinVar contains an entry for this variant (Variation ID: 1378117). Algorithms developed to predict the effect of missense changes on protein structure and function (SIFT, PolyPhen-2, Align-GVGD) all suggest that this variant is likely to be tolerated. In summary, the available evidence is currently insufficient to determine the role of this variant in disease. Therefore, it has been classified as a Variant of Uncertain Significance.